The following is an entry in ClinVar:

ClinVar aggregate classification (germline): Conflicting classifications of pathogenicity. Review status: criteria provided, conflicting classifications (1 of 4 stars). 3 submissions from 3 submitters: Uncertain significance (2); Likely benign (1). Last evaluated 2025-06-17.

Conditions:
Bloom syndrome (BLM). Also called: Bloom-Torre-Machacek syndrome. Identifiers: Orphanet 125, MedGen C0005859, MONDO:0008876, OMIM 210900.
Hereditary cancer-predisposing syndrome. Also called: Hereditary Cancer Syndrome; Tumor predisposition; Hereditary neoplastic syndrome; Neoplastic Syndromes, Hereditary. Identifiers: Orphanet 140162, MedGen C0027672, MeSH D009386, MONDO:0015356.

Allele frequency attached by ClinVar (database versions not stated): gnomAD 0.00001; 1000 Genomes Project 0.00020; 1000 Genomes Project 30x 0.00031.
gnomAD v4.1: 39 of 1,614,242 alleles (0.0024%); highest among the groups gnomAD compares: South Asian, 0.041%; no homozygotes.

Submissions (3):

St. Jude Molecular Pathology, St. Jude Children's Research Hospital
Classification: Uncertain significance for Bloom syndrome. Last evaluated: 2025-06-17. Review status: criteria provided, single submitter. Criteria: St. Jude Assertion Criteria 2020. Collection method: clinical testing. Allele origin: germline.
Comment: The BLM c.742A>G p.(Ile248Val) missense change has a maximum subpopulation frequency of 0.07% in gnomAD v2.1.1. The in silico tool REVEL predicts a benign effect on protein function, but to our knowledge this prediction has not been confirmed by functional studies. To our knowledge, this variant has not been reported in individuals with Bloom syndrome. In summary, the evidence currently available is insufficient to determine the clinical significance of this variant. It has therefore been classified as of uncertain significance.

Labcorp Genetics (formerly Invitae), Labcorp
Classification: Uncertain significance for Bloom syndrome. Last evaluated: 2024-02-02. Review status: criteria provided, single submitter. Criteria: Invitae Variant Classification Sherloc (09022015). Collection method: clinical testing. Allele origin: germline.
Comment: This sequence change replaces isoleucine, which is neutral and non-polar, with valine, which is neutral and non-polar, at codon 248 of the BLM protein (p.Ile248Val). This variant is present in population databases (rs558524280, gnomAD 0.07%). This variant has not been reported in the literature in individuals affected with BLM-related conditions. ClinVar contains an entry for this variant (Variation ID: 1409525). Algorithms developed to predict the effect of missense changes on protein structure and function output the following: SIFT: "Not Available"; PolyPhen-2: "Benign"; Align-GVGD: "Not Available". The valine amino acid residue is found in multiple mammalian species, which suggests that this missense change does not adversely affect protein function. In summary, the available evidence is currently insufficient to determine the role of this variant in disease. Therefore, it has been classified as a Variant of Uncertain Significance.

Ambry Genetics
Classification: Likely benign for Hereditary cancer-predisposing syndrome. Last evaluated: 2022-05-21. Review status: criteria provided, single submitter. Criteria: Ambry Variant Classification Scheme 2023. Collection method: clinical testing. Allele origin: germline.

NM_000057.4(BLM):c.742A>G (p.Ile248Val)

Gene: BLM (BLM RecQ like helicase; plus strand). Cytogenetic location: 15q26.1.
Variant type: single nucleotide variant.
Coding change: c.742A>G on transcript NM_000057.4 (MANE Select); coding-DNA position 742, A replaced by G.
Protein change: p.Ile248Val; replaces isoleucine 248 with valine.
Molecular consequence: missense variant. On other transcripts: 5 prime UTR variant (1).
Genome position (GRCh38, 1-based): chr15:90,750,010, A>G. VCF-style: chr15-90750010-A-G. GRCh37 (hg19) VCF-style: chr15-91293240-A-G.
Other names: c.742A>G, p.Ile248Val (NM_001287246.2, NM_001287247.2); c.-550A>G (NM_001287248.2); short protein forms I248V.
Identifiers: ClinVar variation 1409525 (VCV001409525.8), dbSNP rs558524280, ClinGen allele CA7738344.